The following is an entry in ClinVar:

ClinVar aggregate classification (germline): Pathogenic/Likely pathogenic. Review status: criteria provided, multiple submitters, no conflicts (2 of 4 stars). 2 submissions from 2 submitters: Pathogenic (1); Likely pathogenic (1). Last evaluated 2025-01-10.

Conditions:
Peutz-Jeghers syndrome (PJS). Also called: Peutz-Jeghers polyposis; Periorificial lentiginosis syndrome; POLYPOSIS, HAMARTOMATOUS INTESTINAL; POLYPS-AND-SPOTS SYNDROME. Identifiers: Orphanet 2869, MedGen C0031269, MeSH D010580, MONDO:0008280, OMIM 175200.

Submissions (2):

Department of Clinical Genetics, Copenhagen University Hospital, Rigshospitalet
Classification: Likely pathogenic for Peutz-Jeghers syndrome. Last evaluated: 2025-01-10. Review status: criteria provided, single submitter. Criteria: ACMG Guidelines, 2015. Collection method: clinical testing. Allele origin: germline. Affected: yes.
Comment: The following ACMG criteria was used: PM2_SUP; PS4; PS1_SUP

Labcorp Genetics (formerly Invitae), Labcorp
Classification: Pathogenic for Peutz-Jeghers syndrome. Last evaluated: 2024-08-11. Review status: criteria provided, single submitter. Criteria: Invitae Variant Classification Sherloc (09022015). Collection method: clinical testing. Allele origin: germline.
Comment: This variant, c.907_915del, results in the deletion of 3 amino acid(s) of the STK11 protein (p.Ile303_Gln305del), but otherwise preserves the integrity of the reading frame. This variant is not present in population databases (gnomAD no frequency). This variant has been observed in individuals with Peutz-Jeghers syndrome (PMID: 15863673, 19908348, 30528796). This variant disrupts a region of the STK11 protein in which other variant(s) (p.Arg304Trp) have been determined to be pathogenic (PMID: 9809980, 12865922, 15121768, 17404884). This suggests that this is a clinically significant region of the protein, and that variants that disrupt it are likely to be disease-causing. For these reasons, this variant has been classified as Pathogenic.

Literature cited by the submitters: PubMed 37017260 (cited by Department of Clinical Genetics, Copenhagen University Hospital, Rigshospitalet); PubMed 15863673 (cited by Labcorp Genetics (formerly Invitae), Labcorp); PubMed 19908348 (cited by Labcorp Genetics (formerly Invitae), Labcorp); PubMed 30528796 (cited by Labcorp Genetics (formerly Invitae), Labcorp); PubMed 9809980 (cited by Labcorp Genetics (formerly Invitae), Labcorp); PubMed 12865922 (cited by Labcorp Genetics (formerly Invitae), Labcorp); PubMed 15121768 (cited by Labcorp Genetics (formerly Invitae), Labcorp); PubMed 17404884 (cited by Labcorp Genetics (formerly Invitae), Labcorp).

NM_000455.5(STK11):c.898ATCCGGCAG[1] (p.300IRQ[1])

Gene: STK11 (serine/threonine kinase 11; plus strand). Cytogenetic location: 19p13.3.
Variant type: Microsatellite.
Coding change: c.898ATCCGGCAG[1] on transcript NM_000455.5 (MANE Select); one copy of the 9-base unit ATCCGGCAG starting at c.898; the reference has two copies in a row; one copy, 9 bases deleted; also written c.907_915del.
Protein change: p.300IRQ[1].
Molecular consequence: inframe deletion.
Genome position (GRCh38, 1-based): chr19:1,221,993-1,222,001, ATCCGGCAG deleted; deleting any 9 consecutive bases within chr19:1,221,984-1,222,001 gives the same sequence; the position shown is the placement nearest the transcript's 3' end. VCF-style (leftmost placement, unchanged base first): chr19-1221983-CATCCGGCAG-C. GRCh37 (hg19) VCF-style: chr19-1221982-CATCCGGCAG-C.
Other names: c.907_915del (NM_000455.5).
Identifiers: ClinVar variation 1508721 (VCV001508721.9), dbSNP rs2145428787, ClinGen allele CA2580613016.